The following is an entry in ClinVar:

ClinVar aggregate classification (germline): Likely benign (1 of 4 stars; one submission).

Submission:

CeGaT Center for Human Genetics Tuebingen
Classification: Likely benign. Last evaluated: 2026-01-01. Review status: criteria provided, single submitter. Criteria: CeGaT Center For Human Genetics Tuebingen Variant Classification Criteria Version 2. Collection method: clinical testing. Allele origin: germline. Affected: yes. Observed: 1 variant allele.
Comment: HRNR: PM2:Supporting, BP4, BP7

NM_001009931.3(HRNR):c.615T>C (p.Tyr205=)

Genes: CCDST (cervical cancer associated DHX9 suppressive transcript; plus strand), HRNR (hornerin; minus strand). Cytogenetic location: 1q21.3.
Variant type: single nucleotide variant.
Coding change: c.615T>C on transcript NM_001009931.3 (MANE Select); coding-DNA position 615, T replaced by C.
Protein change: p.Tyr205=; no amino-acid change (tyrosine 205 retained).
Molecular consequence: synonymous variant.
Genome position (GRCh38, 1-based): chr1:152,221,014, A>G on the plus strand (T>C on the coding strand, the complement: HRNR is on the minus strand). VCF-style: chr1-152221014-A-G. GRCh37 (hg19) VCF-style: chr1-152193490-A-G.
Identifiers: ClinVar variation 4822301 (VCV004822301.4).